The following is an entry in ClinVar:

ClinVar aggregate classification (germline): Uncertain significance (1 of 4 stars; one submission).

Submission:

Labcorp Genetics (formerly Invitae), Labcorp
Classification: Uncertain significance. Last evaluated: 2022-05-28. Review status: criteria provided, single submitter. Criteria: Invitae Variant Classification Sherloc (09022015). Collection method: clinical testing. Allele origin: germline.
Comment: This sequence change replaces serine, which is neutral and polar, with threonine, which is neutral and polar, at codon 12 of the KCNV2 protein (p.Ser12Thr). This variant is present in population databases (no rsID available, gnomAD 0.006%). This variant has not been reported in the literature in individuals affected with KCNV2-related conditions. Advanced modeling of protein sequence and biophysical properties (such as structural, functional, and spatial information, amino acid conservation, physicochemical variation, residue mobility, and thermodynamic stability) performed at Invitae indicates that this missense variant is not expected to disrupt KCNV2 protein function. In summary, the available evidence is currently insufficient to determine the role of this variant in disease. Therefore, it has been classified as a Variant of Uncertain Significance.

NM_133497.4(KCNV2):c.35G>C (p.Ser12Thr)

Gene: KCNV2 (potassium voltage-gated channel modifier subfamily V member 2; plus strand). Cytogenetic location: 9p24.2.
Variant type: single nucleotide variant.
Coding change: c.35G>C on transcript NM_133497.4 (MANE Select); coding-DNA position 35, G replaced by C.
Protein change: p.Ser12Thr; replaces serine 12 with threonine.
Molecular consequence: missense variant.
Genome position (GRCh38, 1-based): chr9:2,717,774, G>C. VCF-style: chr9-2717774-G-C. GRCh37 (hg19) VCF-style: chr9-2717774-G-C.
Other names: short protein forms S12T.
Identifiers: ClinVar variation 2000169 (VCV002000169.4), dbSNP rs780825495, ClinGen allele CA187970115.